The following is an entry in ClinVar:

NM_017780.4(CHD7):c.6016A>G (p.Lys2006Glu)

Gene: CHD7 (chromodomain helicase DNA binding protein 7; plus strand). Cytogenetic location: 8q12.2.
Variant type: single nucleotide variant.
Coding change: c.6016A>G on transcript NM_017780.4 (MANE Select); coding-DNA position 6016, A replaced by G.
Protein change: p.Lys2006Glu; replaces lysine 2006 with glutamic acid.
Molecular consequence: missense variant. On other transcripts: intron variant (1).
Genome position (GRCh38, 1-based): chr8:60,852,619, A>G. VCF-style: chr8-60852619-A-G. GRCh37 (hg19) VCF-style: chr8-61765178-A-G.
Other names: c.1717-9610A>G (NM_001316690.1); short protein forms K2006E.
Identifiers: ClinVar variation 5008792 (VCV005008792.1).

ClinVar aggregate classification (germline): Uncertain significance (1 of 4 stars; one submission).

Submission:

GeneDx
Classification: Uncertain significance. Last evaluated: 2026-03-09. Review status: criteria provided, single submitter. Criteria: GeneDx Variant Classification Process June 2021. Collection method: clinical testing. Allele origin: germline.
Comment: Not observed at significant frequency in large population cohorts (gnomAD); In silico analysis supports that this missense variant has a deleterious effect on protein structure/function; Has not been previously published as pathogenic or benign to our knowledge